The following is an entry in ClinVar:

ClinVar aggregate classification (germline): Uncertain significance (1 of 4 stars; one submission).

Conditions:
MHC class I deficiency. Identifiers: Orphanet 34592, MedGen C6024714, MONDO:0011476.

gnomAD v4.1: 25 of 1,613,630 alleles (0.0015%); highest among the groups gnomAD compares: South Asian, 0.0022%; no homozygotes.

Submission:

Labcorp Genetics (formerly Invitae), Labcorp
Classification: Uncertain significance for MHC class I deficiency 1. Last evaluated: 2025-07-02. Review status: criteria provided, single submitter. Criteria: Invitae Variant Classification Sherloc (09022015). Collection method: clinical testing. Allele origin: germline.
Comment: This sequence change replaces valine, which is neutral and non-polar, with isoleucine, which is neutral and non-polar, at codon 414 of the TAPBP protein (p.Val414Ile). This variant is present in population databases (rs749133011, gnomAD 0.002%). This variant has not been reported in the literature in individuals affected with TAPBP-related conditions. An algorithm developed to predict the effect of missense changes on protein structure and function outputs the following: PolyPhen-2: "Benign". The isoleucine amino acid residue is found in multiple mammalian species, which suggests that this missense change does not adversely affect protein function. In summary, the available evidence is currently insufficient to determine the role of this variant in disease. Therefore, it has been classified as a Variant of Uncertain Significance.

NM_003190.5(TAPBP):c.1240G>A (p.Val414Ile)

Gene: TAPBP (TAP binding protein; minus strand). Cytogenetic location: 6p21.32.
Variant type: single nucleotide variant.
Coding change: c.1240G>A on transcript NM_003190.5 (MANE Select); coding-DNA position 1240, G replaced by A.
Protein change: p.Val414Ile; replaces valine 414 with isoleucine.
Molecular consequence: missense variant.
Genome position (GRCh38, 1-based): chr6:33,304,188, C>T on the plus strand (G>A on the coding strand, the complement: TAPBP is on the minus strand). VCF-style: chr6-33304188-C-T. GRCh37 (hg19) VCF-style: chr6-33271965-C-T.
Other names: c.1240G>A, p.Val414Ile (NM_001410875.1, NM_172208.3); c.979G>A, p.Val327Ile (NM_172209.3); short protein forms V327I, V414I.
Identifiers: ClinVar variation 4762059 (VCV004762059.1).